The following is an entry in ClinVar:

NM_001018115.3(FANCD2):c.2124T>C (p.Phe708=)

Genes: FANCD2 (FA complementation group D2; plus strand), LOC107303338 (3p25 FANCD2 Alu-mediated recombination region; plus strand). Cytogenetic location: 3p25.3.
Variant type: single nucleotide variant.
Coding change: c.2124T>C on transcript NM_001018115.3 (MANE Select); coding-DNA position 2124, T replaced by C.
Protein change: p.Phe708=; no amino-acid change (phenylalanine 708 retained).
Molecular consequence: synonymous variant.
Genome position (GRCh38, 1-based): chr3:10,064,831, T>C. VCF-style: chr3-10064831-T-C. GRCh37 (hg19) VCF-style: chr3-10106515-T-C.
Other names: NP_001018125.1:p.Phe708=; c.2124T>C (NM_033084.4); c.2124T>C, p.Phe708= (NM_001319984.2, NM_001374254.1, NM_033084.6); c.2013T>C, p.Phe671= (NM_001374253.1).
Identifiers: ClinVar variation 257072 (VCV000257072.31), dbSNP rs9809716, ClinGen allele CA2249966.

ClinVar aggregate classification (germline): Benign. Review status: criteria provided, multiple submitters, no conflicts (2 of 4 stars). 10 submissions from 10 submitters: Benign (8). 2 of the submissions do not count toward it. Last evaluated 2026-02-04.

Conditions:
Hereditary breast ovarian cancer syndrome. Also called: Hereditary breast and ovarian cancer; Hereditary breast and ovarian cancer syndrome; Hereditary breast and/or ovarian cancer syndrome; BRCA1- and BRCA2-Associated Hereditary Breast and Ovarian Cancer; Hereditary breast and ovarian cancer syndrome (HBOC); Breast and ovarian cancer. Identifiers: Orphanet 145, MedGen C0677776, MeSH D061325, MONDO:0003582. Disease mechanism: loss of function.
Fanconi anemia (FA). Also called: Fanconi's anemia. Identifiers: Orphanet 84, MedGen C0015625, MeSH D005199, MONDO:0019391.
Fanconi anemia complementation group D2. Also called: FANCD2-Related Fanconi Anemia; FANCONI PANCYTOPENIA, TYPE 4; FANCONI ANEMIA, COMPLEMENTATION GROUP D. Identifiers: Orphanet 84, MedGen C3160738, MONDO:0009214, OMIM 227646.

Allele frequency attached by ClinVar (database versions not stated): gnomAD exomes 0.00232 and 0.00637; ExAC 0.00786; gnomAD 0.02574 and 0.02768; 1000 Genomes Project 0.02756; 1000 Genomes Project 30x 0.03029; ESP Exome Variant Server 0.03199.
gnomAD v4.1: 7,461 of 1,613,774 alleles (0.46%); highest among the groups gnomAD compares: African/African-American, 8.8%; 148 homozygotes.

Submissions (10):

Labcorp Genetics (formerly Invitae), Labcorp
Classification: Benign for Fanconi anemia. Last evaluated: 2026-02-04. Review status: criteria provided, single submitter. Criteria: Invitae Variant Classification Sherloc (09022015). Collection method: clinical testing. Allele origin: germline.

ARUP Laboratories, Molecular Genetics and Genomics, ARUP Laboratories
Classification: Benign for Fanconi anemia complementation group D2. Last evaluated: 2024-12-20. Review status: criteria provided, single submitter. Criteria: ARUP Molecular Germline Variant Investigation Process 2024. Collection method: clinical testing. Allele origin: germline.

KCCC/NGS Laboratory, Kuwait Cancer Control Center
Classification: Benign for Fanconi anemia complementation group D2. Last evaluated: 2023-07-07. Review status: criteria provided, single submitter. Criteria: ACMG Guidelines, 2015. Collection method: clinical testing. Allele origin: germline. Affected: yes.

National Health Laboratory Service, Universitas Academic Hospital and University of the Free State
Classification: Benign for Hereditary breast ovarian cancer syndrome. Last evaluated: 2022-04-19. Review status: criteria provided, single submitter. Criteria: ACMG Guidelines, 2015. Collection method: clinical testing. Allele origin: germline. Affected: yes. Observed: 4 variant alleles.

GeneDx
Classification: Benign. Last evaluated: 2019-04-03. Review status: criteria provided, single submitter. Criteria: GeneDx Variant Classification Process June 2021. Collection method: clinical testing. Allele origin: germline. Affected: yes.

Illumina Laboratory Services, Illumina
Classification: Benign for Fanconi anemia complementation group D2. Last evaluated: 2018-01-12. Review status: criteria provided, single submitter. Criteria: ICSL Variant Classification Criteria 13 December 2019. Collection method: clinical testing. Allele origin: germline.
Comment: This variant was observed in the ICSL laboratory as part of a predisposition screen in an ostensibly healthy population. It had not been previously curated by ICSL or reported in the Human Gene Mutation Database (HGMD: prior to June 1st, 2018), and was therefore a candidate for classification through an automated scoring system. Utilizing variant allele frequency, disease prevalence and penetrance estimates, and inheritance mode, an automated score was calculated to assess if this variant is too frequent to cause the disease. Based on the score and internal cut-off values, a variant classified as benign is not then subjected to further curation. The score for this variant resulted in a classification of benign for this disease.

Breakthrough Genomics
Classification: Benign. Review status: criteria provided, single submitter. Criteria: ACMG Guidelines, 2015. Collection method: not provided. Allele origin: germline. Inheritance: Autosomal recessive inheritance. Affected: yes.

PreventionGenetics, part of Exact Sciences
Classification: Benign. Review status: criteria provided, single submitter. Criteria: ACMG Guidelines, 2015. Collection method: clinical testing. Allele origin: germline.

Genome Diagnostics Laboratory, Amsterdam University Medical Center
Classification: Benign. Review status: no assertion criteria provided. Collection method: clinical testing. Allele origin: germline. Affected: yes. Study: VKGL Data-share Consensus. Not counted in ClinVar's aggregate classification.

Laboratory of Diagnostic Genome Analysis, Leiden University Medical Center (LUMC)
Classification: Likely benign. Review status: no assertion criteria provided. Collection method: clinical testing. Allele origin: germline. Affected: yes. Study: VKGL Data-share Consensus. Not counted in ClinVar's aggregate classification.